The following is an entry in ClinVar:

NM_000209.4(PDX1):c.463C>A (p.Arg155Ser)

Gene: PDX1 (pancreatic and duodenal homeobox 1; plus strand). Cytogenetic location: 13q12.2.
Variant type: single nucleotide variant.
Coding change: c.463C>A on transcript NM_000209.4 (MANE Select); coding-DNA position 463, C replaced by A.
Protein change: p.Arg155Ser; replaces arginine 155 with serine.
Molecular consequence: missense variant.
Genome position (GRCh38, 1-based): chr13:27,924,312, C>A. VCF-style: chr13-27924312-C-A. GRCh37 (hg19) VCF-style: chr13-28498449-C-A.
Other names: short protein forms R155S.
Identifiers: ClinVar variation 1200171 (VCV001200171.4), dbSNP rs773643850, ClinGen allele CA6927670.
Genomic context (GRCh38, chr13:27,924,312, plus strand): 5'-GCAGGCGGCGCCTACGCTGCGGAGCCGGAGGAGAACAAGCGGACGCGCACGGCCTACACG[C>A]GCGCACAGCTGCTAGAGCTGGAGAAGGAGTTCCTATTCAACAAGTACATCTCACGGCCGC-3'
Protein context (NP_000200.1, residues 145-165): ENKRTRTAYT[Arg155Ser]AQLLELEKEF

ClinVar aggregate classification (germline): Uncertain significance. Review status: criteria provided, multiple submitters, no conflicts (2 of 4 stars). 2 submissions from 2 submitters: Uncertain significance (2). Last evaluated 2024-01-05.

Conditions:
Maturity-onset diabetes of the young type 4 (MODY4). Also called: Maturity-onset diabetes of the young, type IV; MODY, type IV. Identifiers: Orphanet 552, MedGen C1833382, MONDO:0011667, OMIM 606392.
Pancreatic agenesis 1 (PAGEN1). Also called: PANCREATIC HYPOPLASIA, CONGENITAL. Identifiers: Orphanet 2805, MedGen C3891828, MONDO:0024547, OMIM 260370.
Type 2 diabetes mellitus. Also called: Type II diabetes mellitus. Identifiers: MedGen C0011860, MeSH D003924, MONDO:0005148, OMIM 125853, HP:0005978.

Allele frequency attached by ClinVar (database versions not stated): gnomAD 0.00001; TOPMed 0.00002; gnomAD exomes 0.00005 and 0.00008; ExAC 0.00010.

Submissions (2):

Fulgent Genetics
Classification: Uncertain significance for Type 2 diabetes mellitus; Pancreatic agenesis 1; Maturity-onset diabetes of the young type 4. Last evaluated: 2024-01-05. Review status: criteria provided, single submitter. Criteria: ACMG Guidelines, 2015. Collection method: clinical testing. Allele origin: germline.

GeneDx
Classification: Uncertain significance. Last evaluated: 2020-04-13. Review status: criteria provided, single submitter. Criteria: GeneDx Variant Classification Process June 2021. Collection method: clinical testing. Allele origin: germline. Affected: yes.
Comment: In silico analysis supports that this missense variant has a deleterious effect on protein structure/function; This variant is associated with the following publications: (PMID: 31333579)